The following is an entry in ClinVar:

ClinVar aggregate classification (germline): Uncertain significance. Review status: criteria provided, multiple submitters, no conflicts (2 of 4 stars). 2 submissions from 2 submitters: Uncertain significance (2). Last evaluated 2025-01-04.

Conditions:
NACC1-related disorder. Also called: NACC1-related condition.

Allele frequency attached by ClinVar (database versions not stated): ExAC 0.00002.
gnomAD v4.1: 9 of 1,613,480 alleles (0.00056%); highest among the groups gnomAD compares: Non-Finnish European, 0.00068%; no homozygotes.

Submissions (2):

PreventionGenetics, part of Exact Sciences
Classification: Uncertain significance for NACC1-related condition. Last evaluated: 2025-01-04. Review status: criteria provided, single submitter. Criteria: ACMG Guidelines, 2015. Collection method: clinical testing. Allele origin: germline.
Comment: The NACC1 c.188G>A variant is predicted to result in the amino acid substitution p.Arg63His. To our knowledge, this variant has not been reported in the literature. This variant is reported in 0.0046% of alleles in individuals of European (Finnish) descent in gnomAD. At this time, the clinical significance of this variant is uncertain due to the absence of conclusive functional and genetic evidence.

Labcorp Genetics (formerly Invitae), Labcorp
Classification: Uncertain significance. Last evaluated: 2022-09-24. Review status: criteria provided, single submitter. Criteria: Invitae Variant Classification Sherloc (09022015). Collection method: clinical testing. Allele origin: germline.
Comment: This sequence change replaces arginine, which is basic and polar, with histidine, which is basic and polar, at codon 63 of the NACC1 protein (p.Arg63His). This variant is present in population databases (rs766522767, gnomAD 0.004%). This variant has not been reported in the literature in individuals affected with NACC1-related conditions. Advanced modeling of protein sequence and biophysical properties (such as structural, functional, and spatial information, amino acid conservation, physicochemical variation, residue mobility, and thermodynamic stability) performed at Invitae indicates that this missense variant is not expected to disrupt NACC1 protein function. In summary, the available evidence is currently insufficient to determine the role of this variant in disease. Therefore, it has been classified as a Variant of Uncertain Significance.

NM_052876.4(NACC1):c.188G>A (p.Arg63His)

Gene: NACC1 (nucleus accumbens associated 1; plus strand). Cytogenetic location: 19p13.13.
Variant type: single nucleotide variant.
Coding change: c.188G>A on transcript NM_052876.4 (MANE Select); coding-DNA position 188, G replaced by A.
Protein change: p.Arg63His; replaces arginine 63 with histidine.
Molecular consequence: missense variant.
Genome position (GRCh38, 1-based): chr19:13,135,395, G>A. VCF-style: chr19-13135395-G-A. GRCh37 (hg19) VCF-style: chr19-13246209-G-A.
Other names: c.188G>A (NM_052876.3); short protein forms R63H.
Identifiers: ClinVar variation 2420696 (VCV002420696.7), dbSNP rs766522767, ClinGen allele CA9238229.